The following is an entry in ClinVar:

ClinVar aggregate classification (germline): Uncertain significance (1 of 4 stars; one submission).

Conditions:
Severe combined immunodeficiency due to LCK deficiency. Also called: Immunodeficiency 22. Identifiers: Orphanet 280142, MedGen C4014233, MONDO:0014334, OMIM 615758.

Allele frequency attached by ClinVar (database versions not stated): ExAC 0.00001; gnomAD exomes below 0.00001.
gnomAD v4.1: 6 of 1,614,150 alleles (0.00037%); highest among the groups gnomAD compares: South Asian, 0.0066%; 1 homozygote.

Submission:

Labcorp Genetics (formerly Invitae), Labcorp
Classification: Uncertain significance for Severe combined immunodeficiency due to LCK deficiency. Last evaluated: 2025-12-08. Review status: criteria provided, single submitter. Criteria: Invitae Variant Classification Sherloc (09022015). Collection method: clinical testing. Allele origin: germline.
Comment: This sequence change replaces asparagine, which is neutral and polar, with serine, which is neutral and polar, at codon 173 of the LCK protein (p.Asn173Ser). This variant is present in population databases (rs777308034, gnomAD 0.01%). This variant has not been reported in the literature in individuals affected with LCK-related conditions. ClinVar contains an entry for this variant (Variation ID: 1993224). An algorithm developed to predict the effect of missense changes on protein structure and function (PolyPhen-2) suggests that this variant is likely to be tolerated. In summary, the available evidence is currently insufficient to determine the role of this variant in disease. Therefore, it has been classified as a Variant of Uncertain Significance.

NM_005356.5(LCK):c.518A>G (p.Asn173Ser)

Gene: LCK (LCK proto-oncogene, Src family tyrosine kinase; plus strand). Cytogenetic location: 1p35.2.
Variant type: single nucleotide variant.
Coding change: c.518A>G on transcript NM_005356.5 (MANE Select); coding-DNA position 518, A replaced by G.
Protein change: p.Asn173Ser; replaces asparagine 173 with serine.
Molecular consequence: missense variant.
Genome position (GRCh38, 1-based): chr1:32,275,950, A>G. VCF-style: chr1-32275950-A-G. GRCh37 (hg19) VCF-style: chr1-32741551-A-G.
Other names: c.518A>G, p.Asn173Ser (NM_001042771.3, NM_001330468.2); short protein forms N173S.
Identifiers: ClinVar variation 1993224 (VCV001993224.4), dbSNP rs777308034, ClinGen allele CA741127.